The following is an entry in ClinVar:

ClinVar aggregate classification (germline): Conflicting classifications of pathogenicity. Review status: criteria provided, conflicting classifications (1 of 4 stars). 3 submissions from 3 submitters: Uncertain significance (2); Benign (1). Last evaluated 2026-05-23.

Conditions:
Primary ciliary dyskinesia. Also called: Ciliary dyskinesia. Identifiers: Orphanet 244, MedGen C0008780, MONDO:0016575, HP:0012265.

Allele frequency attached by ClinVar (database versions not stated): gnomAD exomes 0.00003; gnomAD 0.00004; TOPMed 0.00005.
gnomAD v4.1: 56 of 1,583,872 alleles (0.0035%); highest among the groups gnomAD compares: Non-Finnish European, 0.0042%; no homozygotes.

Submissions (3):

Ambry Genetics
Classification: Uncertain significance for Primary ciliary dyskinesia. Last evaluated: 2026-05-23. Review status: criteria provided, single submitter. Criteria: Ambry Variant Classification Scheme 2023. Collection method: clinical testing. Allele origin: germline.
Comment: The c.4777A>G (p.R1593G) alteration is located in exon 27 (coding exon 27) of the DNAH11 gene. This alteration results from a A to G substitution at nucleotide position 4777, causing the arginine (R) at amino acid position 1593 to be replaced by a glycine (G). Based on data from gnomAD, the G allele has an overall frequency of 0.002% (5/236066) total alleles studied. The highest observed frequency was 0.005% (1/20882) of African alleles. Based on insufficient or conflicting evidence, the clinical significance of this alteration remains unclear.

Labcorp Genetics (formerly Invitae), Labcorp
Classification: Benign for Primary ciliary dyskinesia. Last evaluated: 2025-12-23. Review status: criteria provided, single submitter. Criteria: Invitae Variant Classification Sherloc (09022015). Collection method: clinical testing. Allele origin: germline.

Blueprint Genetics
Classification: Uncertain significance. Last evaluated: 2023-07-19. Review status: criteria provided, single submitter. Criteria: ACMG Guidelines, 2015. Collection method: clinical testing. Allele origin: germline.

NM_001277115.2(DNAH11):c.4777A>G (p.Arg1593Gly)

Gene: DNAH11 (dynein axonemal heavy chain 11; plus strand). Cytogenetic location: 7p15.3.
Variant type: single nucleotide variant.
Coding change: c.4777A>G on transcript NM_001277115.2 (MANE Select); coding-DNA position 4777, A replaced by G.
Protein change: p.Arg1593Gly; replaces arginine 1593 with glycine.
Molecular consequence: missense variant.
Genome position (GRCh38, 1-based): chr7:21,637,662, A>G. VCF-style: chr7-21637662-A-G. GRCh37 (hg19) VCF-style: chr7-21677280-A-G.
Other names: c.4792A>G, p.Arg1598Gly (NM_003777.3); short protein forms R1593G, R1598G.
Identifiers: ClinVar variation 2587905 (VCV002587905.7), dbSNP rs781652233, ClinGen allele CA4180157.
Genomic context (GRCh38, chr7:21,637,662, plus strand): 5'-TTCATGCAGGAGTTAATGTTCAAGACAGCCAAAGTAGAAAATGTGTTAGAAGCAACGTGC[A>G]GACCTAATCTCTATGAAAAACTTAAAGATTTACAGTCCAGGTAAGAATAAAGCTATATAA-3'
Protein context (NP_001264044.1, residues 1583-1603): KVENVLEATC[Arg1593Gly]PNLYEKLKDL